The following is an entry in ClinVar:

NM_181882.3(PRX):c.2908C>T (p.Arg970Trp)

Gene: PRX (periaxin; minus strand). Cytogenetic location: 19q13.2.
Variant type: single nucleotide variant.
Coding change: c.2908C>T on transcript NM_181882.3 (MANE Select); coding-DNA position 2908, C replaced by T.
Protein change: p.Arg970Trp; replaces arginine 970 with tryptophan.
Molecular consequence: missense variant. On other transcripts: 3 prime UTR variant (1).
Genome position (GRCh38, 1-based): chr19:40,395,444, G>A on the plus strand (C>T on the coding strand, the complement: PRX is on the minus strand). VCF-style: chr19-40395444-G-A. GRCh37 (hg19) VCF-style: chr19-40901351-G-A.
Other names: c.*3113C>T (NM_020956.2); short protein forms R970W.
Identifiers: ClinVar variation 917238 (VCV000917238.6), dbSNP rs369224308, ClinGen allele CA9443957.
Genomic context (GRCh38, chr19:40,395,444, plus strand): 5'-CGAGGGCAGGCAGCAGGCCTGCCTCCCCAGCCCCTTTGGCCTCAGCCTCAGCCCCCACCC[G>A]AGCCTTGGGGAGTGAGATGGCAAATTTGGATACCTTCAGCTTGGTAGCTCGCCCAGCCCC-3'
Protein context (NP_870998.2, residues 960-980): SKFAISLPKA[Arg970Trp]VGAEAEAKGA

ClinVar aggregate classification (germline): Uncertain significance. Review status: criteria provided, multiple submitters, no conflicts (2 of 4 stars). 2 submissions from 2 submitters: Uncertain significance (2). Last evaluated 2022-05-22.

Conditions:
Charcot-Marie-Tooth disease. Also called: Charcot-Marie-Tooth Hereditary Neuropathy; Charcot-Marie-Tooth Neuropathy. Identifiers: Orphanet 166, MedGen C0007959, MONDO:0015626.
Charcot-Marie-Tooth disease type 4. Also called: Charcot-Marie-Tooth, Type 4; Charcot-Marie-Tooth disease, type IV. Identifiers: Orphanet 64749, MedGen C4082197, MONDO:0018995.

Allele frequency attached by ClinVar (database versions not stated): gnomAD 0.00002 and 0.00003; TOPMed 0.00004; ESP Exome Variant Server 0.00008.
gnomAD v4.1: 33 of 1,613,852 alleles (0.002%); highest among the groups gnomAD compares: African/African-American, 0.0067%; no homozygotes.

Submissions (2):

Labcorp Genetics (formerly Invitae), Labcorp
Classification: Uncertain significance for Charcot-Marie-Tooth disease type 4. Last evaluated: 2022-05-22. Review status: criteria provided, single submitter. Criteria: Invitae Variant Classification Sherloc (09022015). Collection method: clinical testing. Allele origin: germline.
Comment: In summary, the available evidence is currently insufficient to determine the role of this variant in disease. Therefore, it has been classified as a Variant of Uncertain Significance. Algorithms developed to predict the effect of missense changes on protein structure and function (SIFT, PolyPhen-2, Align-GVGD) all suggest that this variant is likely to be disruptive. ClinVar contains an entry for this variant (Variation ID: 917238). This variant has not been reported in the literature in individuals affected with PRX-related conditions. This variant is present in population databases (rs369224308, gnomAD 0.004%). This sequence change replaces arginine, which is basic and polar, with tryptophan, which is neutral and slightly polar, at codon 970 of the PRX protein (p.Arg970Trp).

Molecular Genetics Laboratory, London Health Sciences Centre
Classification: Uncertain significance for Charcot-Marie-Tooth disease. Review status: criteria provided, single submitter. Criteria: ACMG Guidelines, 2015. Collection method: clinical testing. Allele origin: germline. Affected: yes.